The following is an entry in ClinVar:

NM_177438.3(DICER1):c.4290G>T (p.Arg1430Ser)

Gene: DICER1 (dicer 1, ribonuclease III; minus strand). Cytogenetic location: 14q32.13.
Variant type: single nucleotide variant.
Coding change: c.4290G>T on transcript NM_177438.3 (MANE Select); coding-DNA position 4290, G replaced by T.
Protein change: p.Arg1430Ser; replaces arginine 1430 with serine.
Molecular consequence: missense variant. On other transcripts: non-coding transcript variant (6).
Genome position (GRCh38, 1-based): chr14:95,096,630, C>A on the plus strand (G>T on the coding strand, the complement: DICER1 is on the minus strand). VCF-style: chr14-95096630-C-A. GRCh37 (hg19) VCF-style: chr14-95562967-C-A.
Other names: c.4290G>T, p.Arg1430Ser (NM_001195573.1, NM_001271282.3, NM_001291628.2 and 12 more transcripts); c.4008G>T, p.Arg1336Ser (NM_001395686.1); c.3885G>T, p.Arg1295Ser (NM_001395687.1, NM_001395688.1, NM_001395689.1 and 2 more transcripts); c.3723G>T, p.Arg1241Ser (NM_001395691.1); c.2607G>T, p.Arg869Ser (NM_001395697.1); short protein forms R1241S, R1336S, R1430S, R869S, R1295S.
Identifiers: ClinVar variation 3501970 (VCV003501970.1).

ClinVar aggregate classification (germline): Uncertain significance (1 of 4 stars; one submission).

Conditions:
Hereditary cancer-predisposing syndrome. Also called: Tumor predisposition; Neoplastic Syndromes, Hereditary; Hereditary Cancer Syndrome; Hereditary neoplastic syndrome. Identifiers: Orphanet 140162, MedGen C0027672, MeSH D009386, MONDO:0015356.

Submission:

Ambry Genetics
Classification: Uncertain significance for Hereditary cancer-predisposing syndrome. Last evaluated: 2024-12-04. Review status: criteria provided, single submitter. Criteria: Ambry Variant Classification Scheme 2023. Collection method: clinical testing. Allele origin: germline.
Comment: The p.R1430S variant (also known as c.4290G>T), located in coding exon 22 of the DICER1 gene, results from a G to T substitution at nucleotide position 4290. The arginine at codon 1430 is replaced by serine, an amino acid with dissimilar properties. This amino acid position is conserved. In addition, the in silico prediction for this alteration is inconclusive. Based on the available evidence, the clinical significance of this variant remains unclear.